The following is an entry in ClinVar:

ClinVar aggregate classification (germline): Uncertain significance (1 of 4 stars; one submission).

Conditions:
Inborn genetic diseases. Identifiers: MedGen C0950123, MeSH D030342.

Submission:

Ambry Genetics
Classification: Uncertain significance for Inborn genetic diseases. Last evaluated: 2020-12-10. Review status: criteria provided, single submitter. Criteria: Ambry Variant Classification Scheme 2023. Collection method: clinical testing. Allele origin: germline.
Comment: The c.641A>G (p.D214G) alteration is located in exon 4 (coding exon 4) of the EXOSC3 gene. This alteration results from a A to G substitution at nucleotide position 641, causing the aspartic acid (D) at amino acid position 214 to be replaced by a glycine (G). The p.D214G alteration is predicted to be tolerated by in silico analysis. Based on insufficient or conflicting evidence, the clinical significance of this alteration remains unclear.

NM_016042.4(EXOSC3):c.641A>G (p.Asp214Gly)

Gene: EXOSC3 (exosome component 3; minus strand). Cytogenetic location: 9p13.2.
Variant type: single nucleotide variant.
Coding change: c.641A>G on transcript NM_016042.4 (MANE Select); coding-DNA position 641, A replaced by G.
Protein change: p.Asp214Gly; replaces aspartic acid 214 with glycine.
Molecular consequence: missense variant. On other transcripts: synonymous variant (1).
Genome position (GRCh38, 1-based): chr9:37,780,866, T>C on the plus strand (A>G on the coding strand, the complement: EXOSC3 is on the minus strand). VCF-style: chr9-37780866-T-C. GRCh37 (hg19) VCF-style: chr9-37780863-T-C.
Other names: c.489A>G, p.Arg163= (NM_001002269.2); short protein forms D214G.
Identifiers: ClinVar variation 2349297 (VCV002349297.2), dbSNP rs2489880098, ClinGen allele CA373474873.